The following is an entry in ClinVar:

ClinVar aggregate classification (germline): Uncertain significance (1 of 4 stars; one submission).

Conditions:
Hereditary cancer-predisposing syndrome. Also called: Neoplastic Syndromes, Hereditary; Tumor predisposition; Hereditary Cancer Syndrome; Hereditary neoplastic syndrome. Identifiers: Orphanet 140162, MedGen C0027672, MeSH D009386, MONDO:0015356.

Submission:

Ambry Genetics
Classification: Uncertain significance for Hereditary cancer-predisposing syndrome. Last evaluated: 2026-04-11. Review status: criteria provided, single submitter. Criteria: Ambry Variant Classification Scheme 2023. Collection method: clinical testing. Allele origin: germline.
Comment: The p.T2229I variant (also known as c.6686C>T), located in coding exon 15 of the APC gene, results from a C to T substitution at nucleotide position 6686. The threonine at codon 2229 is replaced by isoleucine, an amino acid with similar properties. This amino acid position is conserved. In addition, in silico predictors for this gene do not accurately predict pathogenicity. Based on the available evidence, the clinical significance of this variant remains unclear.

NM_000038.6(APC):c.6686C>T (p.Thr2229Ile)

Gene: APC (APC regulator of Wnt signaling pathway; plus strand). Cytogenetic location: 5q22.2.
Variant type: single nucleotide variant.
Coding change: c.6686C>T on transcript NM_000038.6 (MANE Select); coding-DNA position 6686, C replaced by T.
Protein change: p.Thr2229Ile; replaces threonine 2229 with isoleucine.
Molecular consequence: missense variant. On other transcripts: non-coding transcript variant (2).
Genome position (GRCh38, 1-based): chr5:112,842,280, C>T. VCF-style: chr5-112842280-C-T. GRCh37 (hg19) VCF-style: chr5-112177977-C-T.
Other names: c.6686C>T, p.Thr2229Ile (NM_001127510.3, NM_001354895.2, NM_001407450.1); c.6632C>T, p.Thr2211Ile (NM_001127511.3); c.6740C>T, p.Thr2247Ile (NM_001354896.2, NM_001407447.1, NM_001407448.1 and 1 more transcripts); c.6716C>T, p.Thr2239Ile (NM_001354897.2); c.6611C>T, p.Thr2204Ile (NM_001354898.2); c.6602C>T, p.Thr2201Ile (NM_001354899.2); c.6563C>T, p.Thr2188Ile (NM_001354900.2); c.6509C>T, p.Thr2170Ile (NM_001354901.2, NM_001407453.1); and 11 more; short protein forms T1845I, T1946I, T2069I, T2100I, T2103I, T2128I, T2138I, T2146I.
Identifiers: ClinVar variation 4861168 (VCV004861168.1).
Genomic context (GRCh38, chr5:112,842,280, plus strand): 5'-TTTCAGGCCAAATGAAACAGCCCCTTCAAGCAAACATGCCTTCAATCTCTCGAGGCAGGA[C>T]AATGATTCATATTCCAGGAGTTCGAAATAGCTCCTCAAGTACAAGTCCTGTTTCTAAAAA-3'
Protein context (NP_000029.2, residues 2219-2239): ANMPSISRGR[Thr2229Ile]MIHIPGVRNS